The following is an entry in ClinVar:

ClinVar aggregate classification (germline): Uncertain significance (1 of 4 stars; one submission).

Conditions:
Combined immunodeficiency due to LRBA deficiency. Also called: Common variable immunodeficiency 8, with autoimmunity. Identifiers: Orphanet 445018, MedGen C3553512, MONDO:0013863, OMIM 614700.

Allele frequency attached by ClinVar (database versions not stated): TOPMed below 0.00001; gnomAD 0.00001.

Submission:

Labcorp Genetics (formerly Invitae), Labcorp
Classification: Uncertain significance for Combined immunodeficiency due to LRBA deficiency. Last evaluated: 2022-07-25. Review status: criteria provided, single submitter. Criteria: Invitae Variant Classification Sherloc (09022015). Collection method: clinical testing. Allele origin: germline.
Comment: In summary, the available evidence is currently insufficient to determine the role of this variant in disease. Therefore, it has been classified as a Variant of Uncertain Significance. Algorithms developed to predict the effect of missense changes on protein structure and function are either unavailable or do not agree on the potential impact of this missense change (SIFT: "Deleterious"; PolyPhen-2: "Probably Damaging"; Align-GVGD: "Class C0"). ClinVar contains an entry for this variant (Variation ID: 1419707). This variant has not been reported in the literature in individuals affected with LRBA-related conditions. This variant is present in population databases (no rsID available, gnomAD 0.01%). This sequence change replaces cysteine, which is neutral and slightly polar, with tyrosine, which is neutral and polar, at codon 289 of the LRBA protein (p.Cys289Tyr).

NM_001364905.1(LRBA):c.866G>A (p.Cys289Tyr)

Gene: LRBA (LPS responsive beige-like anchor protein; minus strand). Cytogenetic location: 4q31.3.
Variant type: single nucleotide variant.
Coding change: c.866G>A on transcript NM_001364905.1 (MANE Select); coding-DNA position 866, G replaced by A.
Protein change: p.Cys289Tyr; replaces cysteine 289 with tyrosine.
Molecular consequence: missense variant.
Genome position (GRCh38, 1-based): chr4:150,916,429, C>T on the plus strand (G>A on the coding strand, the complement: LRBA is on the minus strand). VCF-style: chr4-150916429-C-T. GRCh37 (hg19) VCF-style: chr4-151837581-C-T.
Other names: c.866G>A, p.Cys289Tyr (NM_001199282.3, NM_001367550.1, NM_006726.5); short protein forms C289Y.
Identifiers: ClinVar variation 1419707 (VCV001419707.5), dbSNP rs1312449884, ClinGen allele CA358436170.